The following is an entry in ClinVar:

ClinVar aggregate classification (germline): Likely benign (1 of 4 stars; one submission).

gnomAD v4.1: 97 of 1,552,098 alleles (0.0062%); highest among the groups gnomAD compares: Admixed American, 0.13%; 1 homozygote.

Submission:

CeGaT Center for Human Genetics Tuebingen
Classification: Likely benign. Last evaluated: 2026-03-01. Review status: criteria provided, single submitter. Criteria: CeGaT Center For Human Genetics Tuebingen Variant Classification Criteria Version 2. Collection method: clinical testing. Allele origin: germline. Affected: yes. Observed: 1 variant allele.
Comment: TET3: BP4

NM_001287491.2(TET3):c.2766C>T (p.Val922=)

Gene: TET3 (tet methylcytosine dioxygenase 3; plus strand). Cytogenetic location: 2p13.1.
Variant type: single nucleotide variant.
Coding change: c.2766C>T on transcript NM_001287491.2 (MANE Select); coding-DNA position 2766, C replaced by T.
Protein change: p.Val922=; no amino-acid change (valine 922 retained).
Molecular consequence: synonymous variant.
Genome position (GRCh38, 1-based): chr2:74,087,916, C>T. VCF-style: chr2-74087916-C-T. GRCh37 (hg19) VCF-style: chr2-74315043-C-T.
Other names: c.2487C>T, p.Val829= (NM_001366022.1).
Identifiers: ClinVar variation 4821857 (VCV004821857.4).